The following is an entry in ClinVar:

ClinVar aggregate classification (germline): Benign/Likely benign. Review status: criteria provided, multiple submitters, no conflicts (2 of 4 stars). 4 submissions from 4 submitters: Benign (1); Likely benign (2). 1 of the submissions does not count toward it. Last evaluated 2024-11-25.

Conditions:
PLEC-related disorder. Also called: PLEC-related condition; PLEC-related disorders.

Allele frequency attached by ClinVar (database versions not stated): TOPMed 0.00760; 1000 Genomes Project 0.00619; 1000 Genomes Project 30x 0.00656; ESP Exome Variant Server 0.00752.
gnomAD v4.1: 2,038 of 1,609,984 alleles (0.13%); highest among the groups gnomAD compares: African/African-American, 2.5%; 29 homozygotes.

Submissions (4):

Blueprint Genetics
Classification: Likely benign. Last evaluated: 2024-11-25. Review status: criteria provided, single submitter. Criteria: ACMG Guidelines, 2015. Collection method: clinical testing. Allele origin: germline.

Athena Diagnostics
Classification: Benign. Last evaluated: 2024-10-31. Review status: criteria provided, single submitter. Criteria: Athena Diagnostics Criteria. Collection method: clinical testing. Allele origin: unknown.

GeneDx
Classification: Likely benign. Last evaluated: 2018-08-14. Review status: criteria provided, single submitter. Criteria: GeneDx Variant Classification Process June 2021. Collection method: clinical testing. Allele origin: germline. Affected: yes.

PreventionGenetics, part of Exact Sciences
Classification: Benign for PLEC-related condition. Last evaluated: 2019-10-31. Review status: no assertion criteria provided. Collection method: clinical testing. Allele origin: germline. Not counted in ClinVar's aggregate classification.
Comment: This variant is classified as benign based on ACMG/AMP sequence variant interpretation guidelines (Richards et al. 2015 PMID: 25741868, with internal and published modifications).

NM_201378.4(PLEC):c.71-5077G>T

Gene: PLEC (plectin; minus strand). Cytogenetic location: 8q24.3.
Variant type: single nucleotide variant.
Coding change: c.71-5077G>T on transcript NM_201378.4 (MANE Plus Clinical); 5077 bases into the intron before coding-DNA position 71, G replaced by T.
Molecular consequence: intron variant.
Genome position (GRCh38, 1-based): chr8:143,943,769, C>A on the plus strand (G>T on the coding strand, the complement: PLEC is on the minus strand). VCF-style: chr8-143943769-C-A. GRCh37 (hg19) VCF-style: chr8-145017937-C-A.
Other names: c.194-5077G>T (NM_001410941.1, NM_000445.5); c.47-5077G>T (NM_201379.3); c.524-5077G>T (NM_201380.4); c.16+879G>T (NM_201381.3); c.112+10G>T (NM_201382.4).
Identifiers: ClinVar variation 994915 (VCV000994915.9), dbSNP rs73377225, ClinGen allele CA4928777.